The following is an entry in ClinVar:

NM_003722.5(TP63):c.763G>A (p.Glu255Lys)

Gene: TP63 (tumor protein p63; plus strand). Cytogenetic location: 3q28.
Variant type: single nucleotide variant.
Coding change: c.763G>A on transcript NM_003722.5 (MANE Select); coding-DNA position 763, G replaced by A.
Protein change: p.Glu255Lys; replaces glutamic acid 255 with lysine.
Molecular consequence: missense variant.
Genome position (GRCh38, 1-based): chr3:189,864,415, G>A. VCF-style: chr3-189864415-G-A. GRCh37 (hg19) VCF-style: chr3-189582204-G-A.
Other names: c.763G>A, p.Glu255Lys (NM_001114978.2, NM_001114979.2, NM_001329144.2 and 1 more transcripts); c.481G>A, p.Glu161Lys (NM_001114980.2, NM_001114981.2, NM_001114982.2 and 2 more transcripts); c.226G>A, p.Glu76Lys (NM_001329146.2, NM_001329150.2); c.757G>A, p.Glu253Lys (NM_001329964.2); short protein forms E253K, E161K, E76K, E255K.
Identifiers: ClinVar variation 2150868 (VCV002150868.3), dbSNP rs2474590830, ClinGen allele CA355753869.

ClinVar aggregate classification (germline): Uncertain significance (1 of 4 stars; one submission).

Conditions:
TP63-Related Spectrum Disorders.

Submission:

Labcorp Genetics (formerly Invitae), Labcorp
Classification: Uncertain significance. Last evaluated: 2022-10-21. Review status: criteria provided, single submitter. Criteria: Invitae Variant Classification Sherloc (09022015). Collection method: clinical testing. Allele origin: germline.
Comment: This sequence change replaces glutamic acid, which is acidic and polar, with lysine, which is basic and polar, at codon 255 of the TP63 protein (p.Glu255Lys). In summary, the available evidence is currently insufficient to determine the role of this variant in disease. Therefore, it has been classified as a Variant of Uncertain Significance. Advanced modeling of protein sequence and biophysical properties (such as structural, functional, and spatial information, amino acid conservation, physicochemical variation, residue mobility, and thermodynamic stability) performed at Invitae indicates that this missense variant is expected to disrupt TP63 protein function. This variant has not been reported in the literature in individuals affected with TP63-related conditions. This variant is not present in population databases (gnomAD no frequency).